The following is an entry in ClinVar:

ClinVar aggregate classification (germline): Pathogenic. Review status: criteria provided, multiple submitters, no conflicts (2 of 4 stars). 3 submissions from 3 submitters: Pathogenic (2). 1 of the submissions does not count toward it. Last evaluated 2022-09-30.

Conditions:
Thyroid hormone resistance syndrome. Identifiers: MedGen C2940786, MONDO:0001328.
Thyroid hormone resistance, generalized, autosomal dominant (GRTHD). Also called: HYPERTHYROXINEMIA, FAMILIAL EUTHYROID, SECONDARY TO PITUITARY AND PERIPHERAL RESISTANCE TO THYROID HORMONES. Identifiers: MedGen C2937288, MONDO:0008569, OMIM 188570.

Submissions (3):

Women's Health and Genetics/Laboratory Corporation of America, LabCorp
Classification: Pathogenic for Thyroid hormone resistance, generalized, autosomal dominant. Last evaluated: 2022-09-30. Review status: criteria provided, single submitter. Criteria: LabCorp Variant Classification Summary - May 2015. Collection method: clinical testing. Allele origin: germline.
Comment: Variant summary: THRB c.1305T>G (p.His435Gln) results in a non-conservative amino acid change located in the Nuclear hormone receptor, ligand-binding domain (IPR000536) of the encoded protein sequence. Several other missense variants located at this codon have been implicated in association with Thyroid hormone resistance supporting a hotspot codon essential for Thyroid hormone receptor function (Nomura_1996). Specifically, a different variant (c.1305T>A) resulting in the same alteration (p.His435Gln) has been reported in association with Thyroid hormone resistance (Tsakaguchi_1995). Five of five in-silico tools predict a damaging effect of the variant on protein function. The variant was absent in 251472 control chromosomes. Although specifically c.1305T>G has not been reported in the literature, the variant p.His435Gln has been reported in the literature in at-least one individual affected with Thyroid Hormone Resistance, Generalized, Autosomal Dominant and continues to be cited by others (example, Nomura_1996, Anzai_2012, Groenweg_2017, Zaig_2018, Choi_2018). At least one publication reports experimental evidence evaluating an impact of p.His435Gln on protein function (Nomura_1996). The most pronounced variant effect results in T3-binding activity below limit of detection and alters homodimer formation on certain thyroid hormone response elements (TRE) such as DR4. Two clinical diagnostic laboratories have submitted clinical-significance assessments for this variant to ClinVar after 2014 without evidence for independent evaluation. All laboratories classified the variant as pathogenic. Based on the evidence outlined above, the variant was classified as pathogenic.

Genetic Services Laboratory, University of Chicago
Classification: Pathogenic for Thyroid hormone resistance. Last evaluated: 2016-11-07. Review status: criteria provided, single submitter. Criteria: ACMG Guidelines, 2015. Collection method: clinical testing. Allele origin: germline. Affected: yes.

Clinical Molecular Genetics Laboratory, Johns Hopkins All Children's Hospital
Classification: Pathogenic for Thyroid hormone resistance, generalized, autosomal dominant. Last evaluated: 2015-01-02. Review status: no assertion criteria provided. Collection method: clinical testing. Allele origin: germline. Affected: yes. Not counted in ClinVar's aggregate classification.

Literature cited by the submitters: PubMed 22947347 (cited by Women's Health and Genetics/Laboratory Corporation of America, LabCorp); PubMed 30497070 (cited by Women's Health and Genetics/Laboratory Corporation of America, LabCorp); PubMed 28235578 (cited by Women's Health and Genetics/Laboratory Corporation of America, LabCorp); PubMed 8828460 (cited by Women's Health and Genetics/Laboratory Corporation of America, LabCorp); PubMed 30430796 (cited by Women's Health and Genetics/Laboratory Corporation of America, LabCorp).

NM_001354712.2(THRB):c.1305T>G (p.His435Gln)

Gene: THRB (thyroid hormone receptor beta; minus strand). Cytogenetic location: 3p24.2.
Variant type: single nucleotide variant.
Coding change: c.1305T>G on transcript NM_001354712.2 (MANE Select); coding-DNA position 1305, T replaced by G.
Protein change: p.His435Gln; replaces histidine 435 with glutamine.
Molecular consequence: missense variant.
Genome position (GRCh38, 1-based): chr3:24,122,965, A>C on the plus strand (T>G on the coding strand, the complement: THRB is on the minus strand). VCF-style: chr3-24122965-A-C. GRCh37 (hg19) VCF-style: chr3-24164456-A-C.
Other names: c.1305T>G, p.His435Gln (NM_000461.5, NM_001128176.3, NM_001128177.2 and 6 more transcripts); c.1212T>G, p.His404Gln (NM_001354714.2, NM_001354715.2); short protein forms H435Q, H404Q.
Identifiers: ClinVar variation 437004 (VCV000437004.7), dbSNP rs1553609185, ClinGen allele CA351886612.